The following is an entry in ClinVar:

ClinVar aggregate classification (germline): Uncertain significance. Review status: criteria provided, multiple submitters, no conflicts (2 of 4 stars). 2 submissions from 2 submitters: Uncertain significance (2). Last evaluated 2025-12-22.

Conditions:
Shukla-Vernon syndrome. Identifiers: MedGen C5193146, MONDO:0026727, OMIM 301029.

Submissions (2):

Laboratorio de Genetica e Diagnostico Molecular, Hospital Israelita Albert Einstein
Classification: Uncertain significance for Shukla-Vernon syndrome. Last evaluated: 2025-12-22. Review status: criteria provided, single submitter. Criteria: ACMG Guidelines, 2015. Collection method: clinical testing. Allele origin: germline. Affected: yes.
Comment: ACMG classification criteria: PM2 supporting, BP4 supporting

Dasa
Classification: Uncertain significance. Last evaluated: 2024-08-21. Review status: criteria provided, single submitter. Criteria: DASA Assertion Criteria. Collection method: clinical testing. Allele origin: germline.
Comment: NM_001379451.1(BCORL1):c.3086G>A (p.Ser1029Asn) is a missense variant that results in the substitution of serine with asparagine. This variant is absent from population databases. Computational prediction algorithms are consistent with a benign effect. The currently available literature and clinical evidence are not sufficient to establish a definitive association between this variant and the reported condition. Therefore, this variant is classified as a variant of uncertain significance.

NM_001379451.1(BCORL1):c.3086G>A (p.Ser1029Asn)

Gene: BCORL1 (BCL6 corepressor like 1; plus strand). Cytogenetic location: Xq26.1.
Variant type: single nucleotide variant.
Coding change: c.3086G>A on transcript NM_001379451.1 (MANE Select); coding-DNA position 3086, G replaced by A.
Protein change: p.Ser1029Asn; replaces serine 1029 with asparagine.
Molecular consequence: missense variant.
Genome position (GRCh38, 1-based): chrX:130,015,858, G>A. VCF-style: chrX-130015858-G-A. GRCh37 (hg19) VCF-style: chrX-129149834-G-A.
Other names: c.3086G>A, p.Ser1029Asn (NM_001184772.3, NM_001379450.1, NM_001441326.1 and 7 more transcripts); short protein forms S1029N.
Identifiers: ClinVar variation 4846972 (VCV004846972.3).